The following is an entry in ClinVar:

NM_015570.4(AUTS2):c.2587G>A (p.Val863Met)

Gene: AUTS2 (activator of transcription and developmental regulator AUTS2; plus strand). Cytogenetic location: 7q11.22.
Variant type: single nucleotide variant.
Coding change: c.2587G>A on transcript NM_015570.4 (MANE Select); coding-DNA position 2587, G replaced by A.
Protein change: p.Val863Met; replaces valine 863 with methionine.
Molecular consequence: missense variant.
Genome position (GRCh38, 1-based): chr7:70,789,803, G>A. VCF-style: chr7-70789803-G-A. GRCh37 (hg19) VCF-style: chr7-70254789-G-A.
Other names: c.2515G>A, p.Val839Met (NM_001127231.3); short protein forms V839M, V863M.
Identifiers: ClinVar variation 3769915 (VCV003769915.2).

ClinVar aggregate classification (germline): Uncertain significance (1 of 4 stars; one submission).

gnomAD v4.1: 1 of 1,614,132 alleles (0.000062%); highest among the groups gnomAD compares: Non-Finnish European, 0.000085%; no homozygotes.

Submission:

GeneDx
Classification: Uncertain significance. Last evaluated: 2025-09-29. Review status: criteria provided, single submitter. Criteria: GeneDx Variant Classification Process June 2021. Collection method: clinical testing. Allele origin: germline.
Comment: Not observed at significant frequency in large population cohorts (gnomAD); In silico analysis suggests that this missense variant does not alter protein structure/function; Has not been previously published as pathogenic or benign to our knowledge